The following is an entry in ClinVar:

ClinVar aggregate classification (germline): Uncertain significance (1 of 4 stars; one submission).

Conditions:
Hereditary sensory and autonomic neuropathy type 7. Also called: HSAN VII; Neuropathy, hereditary sensory and autonomic, type VII. Identifiers: Orphanet 391397, MedGen C3809882, MONDO:0014244, OMIM 615548.
Familial episodic pain syndrome with predominantly lower limb involvement. Also called: Episodic pain syndrome, familial, 3. Identifiers: Orphanet 391384, Orphanet 391392, MedGen C3809899, MONDO:0014247, OMIM 615552.

Submission:

Labcorp Genetics (formerly Invitae), Labcorp
Classification: Uncertain significance for Familial episodic pain syndrome with predominantly lower limb involvement; Hereditary sensory and autonomic neuropathy type 7. Last evaluated: 2024-03-21. Review status: criteria provided, single submitter. Criteria: Invitae Variant Classification Sherloc (09022015). Collection method: clinical testing. Allele origin: germline.
Comment: This sequence change replaces proline, which is neutral and non-polar, with arginine, which is basic and polar, at codon 70 of the SCN11A protein (p.Pro70Arg). This variant is not present in population databases (gnomAD no frequency). This variant has not been reported in the literature in individuals affected with SCN11A-related conditions. Advanced modeling of protein sequence and biophysical properties (such as structural, functional, and spatial information, amino acid conservation, physicochemical variation, residue mobility, and thermodynamic stability) performed at Invitae indicates that this missense variant is expected to disrupt SCN11A protein function with a positive predictive value of 80%. In summary, the available evidence is currently insufficient to determine the role of this variant in disease. Therefore, it has been classified as a Variant of Uncertain Significance.

NM_001349253.2(SCN11A):c.209C>G (p.Pro70Arg)

Gene: SCN11A (sodium voltage-gated channel alpha subunit 11; minus strand). Cytogenetic location: 3p22.2.
Variant type: single nucleotide variant.
Coding change: c.209C>G on transcript NM_001349253.2 (MANE Select); coding-DNA position 209, C replaced by G.
Protein change: p.Pro70Arg; replaces proline 70 with arginine.
Molecular consequence: missense variant.
Genome position (GRCh38, 1-based): chr3:38,950,154, G>C on the plus strand (C>G on the coding strand, the complement: SCN11A is on the minus strand). VCF-style: chr3-38950154-G-C. GRCh37 (hg19) VCF-style: chr3-38991645-G-C.
Other names: c.209C>G, p.Pro70Arg (NM_014139.3); short protein forms P70R.
Identifiers: ClinVar variation 3751151 (VCV003751151.2).